The following is an entry in ClinVar:

ClinVar aggregate classification (germline): Uncertain significance (1 of 4 stars; one submission).

Submission:

Labcorp Genetics (formerly Invitae), Labcorp
Classification: Uncertain significance. Last evaluated: 2023-08-10. Review status: criteria provided, single submitter. Criteria: Invitae Variant Classification Sherloc (09022015). Collection method: clinical testing. Allele origin: germline.
Comment: This sequence change replaces glutamine, which is neutral and polar, with glutamic acid, which is acidic and polar, at codon 212 of the FH protein (p.Gln212Glu). This variant is not present in population databases (gnomAD no frequency). This variant has not been reported in the literature in individuals affected with FH-related conditions. ClinVar contains an entry for this variant (Variation ID: 1347433). Advanced modeling of protein sequence and biophysical properties (such as structural, functional, and spatial information, amino acid conservation, physicochemical variation, residue mobility, and thermodynamic stability) performed at Invitae indicates that this missense variant is not expected to disrupt FH protein function. In summary, the available evidence is currently insufficient to determine the role of this variant in disease. Therefore, it has been classified as a Variant of Uncertain Significance.

NM_000143.4(FH):c.634C>G (p.Gln212Glu)

Gene: FH (fumarate hydratase; minus strand). Cytogenetic location: 1q43.
Variant type: single nucleotide variant.
Coding change: c.634C>G on transcript NM_000143.4 (MANE Select); coding-DNA position 634, C replaced by G.
Protein change: p.Gln212Glu; replaces glutamine 212 with glutamic acid.
Molecular consequence: missense variant.
Genome position (GRCh38, 1-based): chr1:241,508,707, G>C on the plus strand (C>G on the coding strand, the complement: FH is on the minus strand). VCF-style: chr1-241508707-G-C. GRCh37 (hg19) VCF-style: chr1-241672007-G-C.
Other names: short protein forms Q212E.
Identifiers: ClinVar variation 1347433 (VCV001347433.8), dbSNP rs1553341353, ClinGen allele CA345439352.
Genomic context (GRCh38, chr1:241,508,707, plus strand): 5'-CAATCTTGATGATCTGTGCAAACTCTTTGGATTTTGCATCAAGAGCATCATGTAACTTCT[G>C]TAGTCCTGGTAACAGTACTTCATGAACTTCTATTGCAGCAGCAATGTGCATTGCTGTGGG-3'
Protein context (NP_000134.2, residues 202-222): EVHEVLLPGL[Gln212Glu]KLHDALDAKS